The following is an entry in ClinVar:

NM_007294.4(BRCA1):c.1446_1448del (p.Ile483del)

Gene: BRCA1 (BRCA1 DNA repair associated; minus strand). Cytogenetic location: 17q21.31.
Variant type: Deletion.
Coding change: c.1446_1448del on transcript NM_007294.4 (MANE Select); coding-DNA positions 1446 to 1448, 3 bases deleted (TAT; older notation c.1446_1448delTAT).
Protein change: p.Ile483del; deletes isoleucine 483.
Molecular consequence: inframe deletion. On other transcripts: inframe indel (2), intron variant (137).
Genome position (GRCh38, 1-based): chr17:43,094,083-43,094,085, ATA deleted on the plus strand (TAT on the coding strand, the reverse complement: BRCA1 is on the minus strand); deleting any 3 consecutive bases within chr17:43,094,083-43,094,087 gives the same sequence; the c. name uses the placement nearest the transcript's 3' end. VCF-style (leftmost placement, unchanged base first): chr17-43094082-TATA-T. GRCh37 (hg19) VCF-style: chr17-41246099-TATA-T.
Other names: I482del; c.1446_1448delTAT (NM_007294.3); c.1446_1448del, p.Ile483del (NM_001407581.1, NM_001407582.1, NM_001407583.1 and 30 more transcripts); c.1443_1445del, p.Ile482del (NM_001407587.1, NM_001407590.1, NM_001407591.1 and 22 more transcripts); c.1437_1439del, p.Ile480del (NM_001407646.1, NM_001407647.1); c.1323_1325del, p.Ile442del (NM_001407648.1, NM_001407664.1, NM_001407665.1 and 19 more transcripts); c.1320_1322del, p.Ile441del (NM_001407649.1, NM_001407670.1, NM_001407671.1 and 11 more transcripts); c.1368_1370del, p.Ile457del (NM_001407653.1, NM_001407654.1, NM_001407655.1 and 4 more transcripts); and 43 more; short protein forms I483del, I436del, I187del, I412del, I413del, I441del, I356del, I371del.
Identifiers: ClinVar variation 54254 (VCV000054254.19), dbSNP rs80358327, ClinGen allele CA000969.

ClinVar aggregate classification (germline): Uncertain significance. Review status: criteria provided, multiple submitters, no conflicts (2 of 4 stars). 5 submissions from 5 submitters: Uncertain significance (4). 1 of the submissions does not count toward it. Last evaluated 2025-08-31.

Conditions:
Hereditary cancer-predisposing syndrome. Also called: Tumor predisposition; Neoplastic Syndromes, Hereditary; Hereditary Cancer Syndrome; Hereditary neoplastic syndrome. Identifiers: Orphanet 140162, MedGen C0027672, MeSH D009386, MONDO:0015356.
Hereditary breast ovarian cancer syndrome. Also called: Hereditary breast and ovarian cancer syndrome (HBOC); Hereditary breast and ovarian cancer syndrome; Hereditary breast and ovarian cancer; Hereditary breast and/or ovarian cancer syndrome; Breast and ovarian cancer; BRCA1- and BRCA2-Associated Hereditary Breast and Ovarian Cancer. Identifiers: Orphanet 145, MedGen C0677776, MeSH D061325, MONDO:0003582. Disease mechanism: loss of function.
Breast-ovarian cancer, familial, susceptibility to, 1 (BROVCA1). Also called: OVARIAN CANCER, SUSCEPTIBILITY TO; BRCA1 Hereditary Breast and Ovarian Cancer. Identifiers: Orphanet 145, MedGen C2676676, MONDO:0011450, OMIM 604370. Disease mechanism: loss of function.

Submissions (5):

Labcorp Genetics (formerly Invitae), Labcorp
Classification: Uncertain significance for Hereditary breast ovarian cancer syndrome. Last evaluated: 2025-08-31. Review status: criteria provided, single submitter. Criteria: Invitae Variant Classification Sherloc (09022015). Collection method: clinical testing. Allele origin: germline.
Comment: This variant, c.1446_1448del, results in the deletion of 1 amino acid(s) of the BRCA1 protein (p.Ile483del), but otherwise preserves the integrity of the reading frame. This variant is not present in population databases (gnomAD no frequency). This variant has been observed in individual(s) with clinical features of BRCA1-related conditions (PMID: 10923033). This variant is also known as p.Ile482del. ClinVar contains an entry for this variant (Variation ID: 54254). Experimental studies and prediction algorithms are not available or were not evaluated, and the functional significance of this variant is currently unknown. In summary, the available evidence is currently insufficient to determine the role of this variant in disease. Therefore, it has been classified as a Variant of Uncertain Significance.

Ambry Genetics
Classification: Uncertain significance for Hereditary cancer-predisposing syndrome. Last evaluated: 2024-02-16. Review status: criteria provided, single submitter. Criteria: Ambry Variant Classification Scheme 2023. Collection method: clinical testing. Allele origin: germline.
Comment: The c.1446_1448delTAT variant (also known as p.I483del) is located in coding exon 9 of the BRCA1 gene. This variant results from an in-frame TAT deletion at nucleotide positions 1446 to 1448. This results in the in-frame deletion of an isoleucine at codon 483. This alteration was detected in 1/1197 patients with breast cancer who underwent genetic testing (Abdel-Razeq H et al. Front Oncol, 2022 Mar;12:673094). This amino acid position is not well conserved in available vertebrate species. In addition, this alteration is predicted to be deleterious by in silico analysis (Choi Y et al. PLoS ONE. 2012; 7(10):e46688). Based on the available evidence, the clinical significance of this alteration remains unclear.

Baylor Genetics
Classification: Uncertain significance for Breast-ovarian cancer, familial, susceptibility to, 1. Last evaluated: 2023-12-16. Review status: criteria provided, single submitter. Criteria: ACMG Guidelines, 2015. Collection method: clinical testing. Allele origin: unknown.

Color Diagnostics, LLC DBA Color Health
Classification: Uncertain significance for Hereditary cancer-predisposing syndrome. Last evaluated: 2023-05-15. Review status: criteria provided, single submitter. Criteria: ACMG Guidelines, 2015. Collection method: clinical testing. Allele origin: germline.
Comment: This variant causes a deletion of one amino acid at codon 483 in the BRCA1 protein. To our knowledge, functional studies have not been reported for this variant. This variant has not been reported in individuals affected with BRCA1-related disorders in the literature. This variant has not been identified in the general population by the Genome Aggregation Database (gnomAD). The available evidence is insufficient to determine the role of this variant in disease conclusively. Therefore, this variant is classified as a Variant of Uncertain Significance.

Breast Cancer Information Core (BIC) (BRCA1)
Classification: Uncertain significance for Breast-ovarian cancer, familial 1. Last evaluated: 2003-12-23. Review status: no assertion criteria provided. Collection method: clinical testing. Allele origin: germline. Affected: yes. Observed: 1 variant allele. Not counted in ClinVar's aggregate classification.

Literature cited by the submitters: PubMed 10923033 (cited by Labcorp Genetics (formerly Invitae), Labcorp); PubMed 35402282 (cited by Ambry Genetics).